The following is an entry in ClinVar:

NM_001242896.3(DEPDC5):c.4437-2A>C

Gene: DEPDC5 (DEP domain containing 5, GATOR1 subcomplex subunit; plus strand). Cytogenetic location: 22q12.3.
Variant type: single nucleotide variant.
Coding change: c.4437-2A>C on transcript NM_001242896.3 (MANE Select); the canonical splice acceptor site of the intron before coding-DNA position 4437, A replaced by C.
Molecular consequence: splice acceptor variant.
Genome position (GRCh38, 1-based): chr22:31,905,982, A>C. VCF-style: chr22-31905982-A-C. GRCh37 (hg19) VCF-style: chr22-32301968-A-C.
Other names: c.4437-2A>C (NM_001364318.2, NM_001242896.1); c.4410-2A>C (NM_001136029.4); c.4344-2A>C (NM_014662.6, NM_001369903.1); c.4371-2A>C (NM_001363852.2, NM_001364320.2); c.4203-2A>C (NM_001363854.2, NM_001364319.2); c.4137-2A>C (NM_001242897.2); c.4353-2A>C (NM_001369902.1, NM_001369901.1).
Identifiers: ClinVar variation 3897637 (VCV003897637.2).

ClinVar aggregate classification (germline): Likely pathogenic. Review status: criteria provided, multiple submitters, no conflicts (2 of 4 stars). 2 submissions from 2 submitters: Likely pathogenic (2). Last evaluated 2026-08-25.

Conditions:
DEPDC5-related disorder. Also called: DEPDC5-related related disorder; DEPDC5-related condition.
Epilepsy, familial focal, with variable foci 1 (FFEVF1). Also called: DEPDC5-Related Epilepsy. Identifiers: MedGen C4551983, MONDO:0024556, OMIM 604364.

Submissions (2):

PreventionGenetics, part of Exact Sciences
Classification: Likely pathogenic for DEPDC5-related condition. Last evaluated: 2026-08-25. Review status: criteria provided, single submitter. Criteria: ACMG Guidelines, 2015. Collection method: clinical testing. Allele origin: germline.
Comment: The DEPDC5 c.4437-2A>C variant is predicted to disrupt the AG splice acceptor site and interfere with normal splicing. To our knowledge, this variant has not been reported in the literature or in a large population database, indicating this variant is rare. Variants that disrupt the consensus splice acceptor site in DEPDC5 are expected to be pathogenic. This variant is interpreted as likely pathogenic.

Genetics Laboratory, UDIAT-Centre Diagnòstic, Hospital Universitari Parc Tauli
Classification: Likely pathogenic for epilepsy, familial focal, with variable foci 1. Last evaluated: 2024-12-16. Review status: criteria provided, single submitter. Criteria: ACMG Guidelines, 2015. Collection method: clinical testing. Allele origin: unknown. Inheritance: Autosomal dominant inheritance. Affected: yes.
Comment: PVS1_very strong;PM2_supporting